The following is an entry in ClinVar:

NM_000218.3(KCNQ1):c.1394-34567G>A

Genes: KCNQ1 (potassium voltage-gated channel subfamily Q member 1; plus strand), KCNQ1OT1 (KCNQ1 opposite strand/antisense transcript 1; minus strand). Cytogenetic location: 11p15.5.
Variant type: single nucleotide variant.
Coding change: c.1394-34567G>A on transcript NM_000218.3 (MANE Select); 34567 bases into the intron before coding-DNA position 1394, G replaced by A.
Molecular consequence: intron variant. On other transcripts: non-coding transcript variant (1).
Genome position (GRCh38, 1-based): chr11:2,627,394, G>A. VCF-style: chr11-2627394-G-A. GRCh37 (hg19) VCF-style: chr11-2648624-G-A.
Other names: c.1124-34567G>A (NM_001406837.1); c.1298-34567G>A (NM_001406836.1); c.854-34567G>A (NM_001406838.1); c.1013-34567G>A (NM_181798.2).
Identifiers: ClinVar variation 3060692 (VCV003060692.2), dbSNP rs11023535, ClinGen allele CA15717048.

ClinVar aggregate classification (germline): Benign (0 of 4 stars; one submission).

Conditions:
KCNQ1-related disorder. Also called: KCNQ1-related condition; KCNQ1-related disorders. Identifiers: MedGen CN239322.

Allele frequency attached by ClinVar (database versions not stated): TOPMed 0.66976; 1000 Genomes Project 30x 0.67333; 1000 Genomes Project 0.67831; gnomAD exomes 0.73387.
gnomAD v4.1: 283,625 of 398,176 alleles (71%); highest among the groups gnomAD compares: East Asian, 86%; 102,338 homozygotes.

Submission:

PreventionGenetics, part of Exact Sciences
Classification: Benign for KCNQ1-related condition. Last evaluated: 2019-09-18. Review status: no assertion criteria provided. Collection method: clinical testing. Allele origin: germline.
Comment: This variant is classified as benign based on ACMG/AMP sequence variant interpretation guidelines (Richards et al. 2015 PMID: 25741868, with internal and published modifications).